The following is an entry in ClinVar:

NM_000535.7(PMS2):c.212A>G (p.Asn71Ser)

Gene: PMS2 (PMS1 homolog 2, mismatch repair system component; minus strand). Cytogenetic location: 7p22.1.
Variant type: single nucleotide variant.
Coding change: c.212A>G on transcript NM_000535.7 (MANE Select); coding-DNA position 212, A replaced by G.
Protein change: p.Asn71Ser; replaces asparagine 71 with serine.
Molecular consequence: missense variant. On other transcripts: 5 prime UTR variant (11), non-coding transcript variant (1).
Genome position (GRCh38, 1-based): chr7:6,004,010, T>C on the plus strand (A>G on the coding strand, the complement: PMS2 is on the minus strand). VCF-style: chr7-6004010-T-C. GRCh37 (hg19) VCF-style: chr7-6043641-T-C.
Other names: p.N71S:AAT>AGT; c.-194A>G (NM_001322003.2, NM_001322004.2, NM_001322005.2 and 3 more transcripts); c.212A>G, p.Asn71Ser (NM_001322006.2, NM_001322014.2); c.-4A>G (NM_001322007.2, NM_001322008.2); c.-673A>G (NM_001322011.2, NM_001322012.2); c.-273A>G (NM_001322015.2); short protein forms N71S.
Identifiers: ClinVar variation 127774 (VCV000127774.23), dbSNP rs587780049, ClinGen allele CA010882.
Genomic context (GRCh38, chr7:6,004,010, plus strand): 5'-GGATTAGAAAAAGTCAACTTACTTAAGCCTTCGAAGTTTTCTTCTTCTACCCCACATCCA[T>C]TGTCTGAAACTTCAATAAGATCCACTCCATAGTCCTTAAGCTTTAGATCTAGAAAGTTTA-3'
Protein context (NP_000526.2, residues 61-81): YGVDLIEVSD[Asn71Ser]GCGVEEENFE

ClinVar aggregate classification (germline): Uncertain significance. Review status: criteria provided, multiple submitters, no conflicts (2 of 4 stars). 7 submissions from 7 submitters: Uncertain significance (7). Last evaluated 2025-12-17.

Conditions:
Hereditary nonpolyposis colorectal neoplasms. Identifiers: MedGen C0009405, MeSH D003123.
Hereditary cancer-predisposing syndrome. Also called: Hereditary neoplastic syndrome; Neoplastic Syndromes, Hereditary; Hereditary Cancer Syndrome; Tumor predisposition. Identifiers: Orphanet 140162, MedGen C0027672, MeSH D009386, MONDO:0015356.
Lynch syndrome 4 (LYNCH4). Also called: Colorectal cancer, hereditary nonpolyposis, type 4; Hereditary non-polyposis colorectal cancer, type 4. Identifiers: Orphanet 144, MedGen C1838333, MONDO:0013699, OMIM 614337. Disease mechanism: loss of function.

Allele frequency attached by ClinVar (database versions not stated): gnomAD exomes below 0.00001; TOPMed 0.00001.
gnomAD v4.1: 2 of 1,606,004 alleles (0.00012%); highest among the groups gnomAD compares: South Asian, 0.0011%; no homozygotes.

Submissions (7):

Color Diagnostics, LLC DBA Color Health
Classification: Uncertain significance for Hereditary cancer-predisposing syndrome. Last evaluated: 2025-12-17. Review status: criteria provided, single submitter. Criteria: ACMG Guidelines, 2015. Collection method: clinical testing. Allele origin: germline.
Comment: This missense variant replaces asparagine with serine at codon 71 of the PMS2 protein. Computational predictions are inconclusive for impact on protein structure and function. To our knowledge, functional studies have not been reported for this variant. This variant has not been reported in individuals affected with PMS2-related disorders in the literature. This variant has been identified in 2/1606004 chromosomes in the general population by the Genome Aggregation Database (gnomAD). The available evidence is insufficient to determine the role of this variant in disease conclusively. Therefore, this variant is classified as a Variant of Uncertain Significance.

Labcorp Genetics (formerly Invitae), Labcorp
Classification: Uncertain significance for Hereditary nonpolyposis colorectal neoplasms. Last evaluated: 2025-06-22. Review status: criteria provided, single submitter. Criteria: Invitae Variant Classification Sherloc (09022015). Collection method: clinical testing. Allele origin: germline.
Comment: This sequence change replaces asparagine, which is neutral and polar, with serine, which is neutral and polar, at codon 71 of the PMS2 protein (p.Asn71Ser). This variant is not present in population databases (gnomAD no frequency). This variant has not been reported in the literature in individuals affected with PMS2-related conditions. ClinVar contains an entry for this variant (Variation ID: 127774). Invitae Evidence Modeling incorporating data from in vitro experimental studies (internal data) indicates that this missense variant is not expected to disrupt PMS2 function with a negative predictive value of 95%. In summary, the available evidence is currently insufficient to determine the role of this variant in disease. Therefore, it has been classified as a Variant of Uncertain Significance.

Ambry Genetics
Classification: Uncertain significance for Hereditary cancer-predisposing syndrome. Last evaluated: 2024-06-16. Review status: criteria provided, single submitter. Criteria: Ambry Variant Classification Scheme 2023. Collection method: clinical testing. Allele origin: germline.
Comment: The p.N71S variant (also known as c.212A>G), located in coding exon 3 of the PMS2 gene, results from an A to G substitution at nucleotide position 212. The asparagine at codon 71 is replaced by serine, an amino acid with highly similar properties. This amino acid position is highly conserved in available vertebrate species. In addition, the in silico prediction for this alteration is inconclusive. Since supporting evidence is limited at this time, the clinical significance of this alteration remains unclear.

Baylor Genetics
Classification: Uncertain significance for Lynch syndrome 4. Last evaluated: 2023-05-10. Review status: criteria provided, single submitter. Criteria: ACMG Guidelines, 2015. Collection method: clinical testing. Allele origin: unknown.

Women's Health and Genetics/Laboratory Corporation of America, LabCorp
Classification: Uncertain significance. Last evaluated: 2022-01-29. Review status: criteria provided, single submitter. Criteria: LabCorp Variant Classification Summary - May 2015. Collection method: clinical testing. Allele origin: germline.

GeneDx
Classification: Uncertain significance. Last evaluated: 2019-08-12. Review status: criteria provided, single submitter. Criteria: GeneDx Variant Classification Process June 2021. Collection method: clinical testing. Allele origin: germline. Affected: yes.
Comment: Not observed in large population cohorts (Lek 2016); In silico analysis, which includes protein predictors and evolutionary conservation, supports a deleterious effect; Has not been previously published as pathogenic or benign to our knowledge

Quest Diagnostics Nichols Institute San Juan Capistrano
Classification: Uncertain significance. Last evaluated: 2017-09-22. Review status: criteria provided, single submitter. Criteria: Quest Diagnostics criteria. Collection method: clinical testing. Allele origin: germline.